The following is an entry in ClinVar:

NM_001190787.3(MCIDAS):c.662_678del (p.Asn221fs)

Gene: MCIDAS (multiciliate differentiation and DNA synthesis associated cell cycle protein; minus strand). Cytogenetic location: 5q11.2.
Variant type: Deletion.
Coding change: c.662_678del on transcript NM_001190787.3 (MANE Select); coding-DNA positions 662 to 678, 17 bases deleted (ACGTGCAGCTGAAGGAA).
Protein change: p.Asn221fs; shifts the reading frame from asparagine 221.
Molecular consequence: frameshift variant.
Genome position (GRCh38, 1-based): chr5:55,221,055-55,221,071, TTCCTTCAGCTGCACGT deleted on the plus strand (ACGTGCAGCTGAAGGAA on the coding strand, the reverse complement: MCIDAS is on the minus strand); deleting any 17 consecutive bases within chr5:55,221,055-55,221,072 gives the same sequence; the c. name uses the placement nearest the transcript's 3' end. VCF-style (leftmost placement, unchanged base first): chr5-55221054-GTTCCTTCAGCTGCACGT-G. GRCh37 (hg19) VCF-style: chr5-54516882-GTTCCTTCAGCTGCACGT-G.
Other names: short protein forms N221fs.
Identifiers: ClinVar variation 2083826 (VCV002083826.1), dbSNP rs1478876274, ClinGen allele CA812236388.

ClinVar aggregate classification (germline): Pathogenic (1 of 4 stars; one submission).

Conditions:
Primary ciliary dyskinesia. Also called: Ciliary dyskinesia. Identifiers: Orphanet 244, MedGen C0008780, MONDO:0016575, HP:0012265.

Submission:

Labcorp Genetics (formerly Invitae), Labcorp
Classification: Pathogenic for Primary ciliary dyskinesia. Last evaluated: 2022-09-13. Review status: criteria provided, single submitter. Criteria: Invitae Variant Classification Sherloc (09022015). Collection method: clinical testing. Allele origin: germline.
Comment: This sequence change creates a premature translational stop signal (p.Asn221Thrfs*14) in the MCIDAS gene. While this is not anticipated to result in nonsense mediated decay, it is expected to disrupt the last 165 amino acid(s) of the MCIDAS protein. This variant is not present in population databases (gnomAD no frequency). This variant has not been reported in the literature in individuals affected with MCIDAS-related conditions. This variant disrupts a region of the MCIDAS protein in which other variant(s) (p.Arg381His) have been determined to be pathogenic (PMID: 8813877, 25048963; Invitae). This suggests that this is a clinically significant region of the protein, and that variants that disrupt it are likely to be disease-causing. For these reasons, this variant has been classified as Pathogenic.

Literature cited by the submitters: PubMed 8813877; PubMed 25048963.